The following is an entry in ClinVar:

NM_000215.4(JAK3):c.898G>A (p.Asp300Asn)

Gene: JAK3 (Janus kinase 3; minus strand). Cytogenetic location: 19p13.11.
Variant type: single nucleotide variant.
Coding change: c.898G>A on transcript NM_000215.4 (MANE Select); coding-DNA position 898, G replaced by A.
Protein change: p.Asp300Asn; replaces aspartic acid 300 with asparagine.
Molecular consequence: missense variant.
Genome position (GRCh38, 1-based): chr19:17,841,726, C>T on the plus strand (G>A on the coding strand, the complement: JAK3 is on the minus strand). VCF-style: chr19-17841726-C-T. GRCh37 (hg19) VCF-style: chr19-17952535-C-T.
Other names: short protein forms D300N.
Identifiers: ClinVar variation 1353217 (VCV001353217.8), dbSNP rs1216814401, ClinGen allele CA404772043.
Genomic context (GRCh38, chr19:17,841,726, plus strand): 5'-CAGTGACCAGGCGGTGCTCTCCGGCCGGGCCAACGCGCGGGGCCTGCTTGATGCTAATGT[C>T]TACGATTTCTGGAAAGTCGCAGAAGGGCTGGAGGACCTGGGAAGGAGGGGGAGTACCGAA-3'
Protein context (NP_000206.2, residues 290-310): QPFCDFPEIV[Asp300Asn]ISIKQAPRVG

ClinVar aggregate classification (germline): Uncertain significance (1 of 4 stars; one submission).

Conditions:
T-B+ severe combined immunodeficiency due to JAK3 deficiency. Also called: SCID, autosomal recessive, T-negative/B-positive type; SCID, T CELL-NEGATIVE, B CELL-POSITIVE, NK CELL-NEGATIVE. Identifiers: Orphanet 35078, MedGen C1833275, MONDO:0010938, OMIM 600802.

Allele frequency attached by ClinVar (database versions not stated): gnomAD exomes below 0.00001.
gnomAD v4.1: 3 of 1,611,860 alleles (0.00019%); highest among the groups gnomAD compares: Non-Finnish European, 0.00025%; no homozygotes.

Submission:

Labcorp Genetics (formerly Invitae), Labcorp
Classification: Uncertain significance for T-B+ severe combined immunodeficiency due to JAK3 deficiency. Last evaluated: 2021-05-12. Review status: criteria provided, single submitter. Criteria: Invitae Variant Classification Sherloc (09022015). Collection method: clinical testing. Allele origin: germline.
Comment: In summary, the available evidence is currently insufficient to determine the role of this variant in disease. Therefore, it has been classified as a Variant of Uncertain Significance. Advanced modeling of protein sequence and biophysical properties (such as structural, functional, and spatial information, amino acid conservation, physicochemical variation, residue mobility, and thermodynamic stability) performed at Invitae indicates that this missense variant is not expected to disrupt JAK3 protein function. This variant has not been reported in the literature in individuals with JAK3-related conditions. This variant is not present in population databases (ExAC no frequency). This sequence change replaces aspartic acid with asparagine at codon 300 of the JAK3 protein (p.Asp300Asn). The aspartic acid residue is highly conserved and there is a small physicochemical difference between aspartic acid and asparagine.